The following is an entry in ClinVar:

ClinVar aggregate classification (germline): Likely pathogenic (1 of 4 stars; one submission).

Conditions:
Nephronophthisis. Also called: Juvenile Nephronophthisis. Identifiers: Orphanet 655, MedGen C0687120, MONDO:0019005, HP:0000090.

Submission:

Labcorp Genetics (formerly Invitae), Labcorp
Classification: Likely pathogenic for Nephronophthisis. Last evaluated: 2022-09-15. Review status: criteria provided, single submitter. Criteria: Invitae Variant Classification Sherloc (09022015). Collection method: clinical testing. Allele origin: germline.
Comment: In summary, the currently available evidence indicates that the variant is pathogenic, but additional data are needed to prove that conclusively. Therefore, this variant has been classified as Likely Pathogenic. This sequence change affects an acceptor splice site in intron 15 of the NPHP3 gene. It is expected to disrupt RNA splicing. Variants that disrupt the donor or acceptor splice site typically lead to a loss of protein function (PMID: 16199547), and loss-of-function variants in NPHP3 are known to be pathogenic (PMID: 18371931, 23559409). This variant is not present in population databases (gnomAD no frequency). This variant has not been reported in the literature in individuals affected with NPHP3-related conditions. Algorithms developed to predict the effect of sequence changes on RNA splicing suggest that this variant may disrupt the consensus splice site.

Literature cited by the submitters: PubMed 16199547; PubMed 18371931; PubMed 23559409.

NM_153240.5(NPHP3):c.2172-2A>C

Genes: NPHP3 (nephrocystin 3; minus strand), NPHP3-ACAD11 (NPHP3-ACAD11 readthrough (NMD candidate); minus strand). Cytogenetic location: 3q22.1.
Variant type: single nucleotide variant.
Coding change: c.2172-2A>C on transcript NM_153240.5 (MANE Select); the canonical splice acceptor site of the intron before coding-DNA position 2172, A replaced by C.
Molecular consequence: splice acceptor variant.
Genome position (GRCh38, 1-based): chr3:132,694,967, T>G on the plus strand (A>C on the coding strand, the complement: NPHP3 is on the minus strand). VCF-style: chr3-132694967-T-G. GRCh37 (hg19) VCF-style: chr3-132413811-T-G.
Identifiers: ClinVar variation 2195063 (VCV002195063.4), dbSNP rs547310372, ClinGen allele CA354581920.
Genomic context (GRCh38, chr3:132,694,967, plus strand): 5'-TATCTTGACACTGGAAACACTGATGAAGGATTTTATCTAAATTGCCTGCTCTCCCAGCAC[T>G]GTTGGAATCGAGAAGAGATTTAATTTCTTACAGATTGCCAACATCTGTGAAAATTTTGAG-3'